The following is an entry in ClinVar:

ClinVar aggregate classification (germline): Benign (1 of 4 stars; one submission).

Submission:

Dasa
Classification: Benign. Last evaluated: 2025-10-29. Review status: criteria provided, single submitter. Criteria: DASA Assertion Criteria. Collection method: clinical testing. Allele origin: germline.
Comment: NM_001287248.2(BLM):c.-204-11_-204-9del is an intronic variant. Population frequency is inconsistent with a disease-causing role for this variant. Computational prediction algorithms are consistent with a benign effect. Therefore, based on the currently available evidence, this variant is classified as benign.

NM_000057.4(BLM):c.1088-177_1088-175del

Gene: BLM (BLM RecQ like helicase; plus strand). Cytogenetic location: 15q26.1.
Variant type: Deletion.
Coding change: c.1088-177_1088-175del on transcript NM_000057.4 (MANE Select); 177 bases into the intron before coding-DNA position 1088 through 175 bases into the intron before coding-DNA position 1088, 3 bases deleted (TTT; older notation c.1088-177_1088-175delTTT).
Molecular consequence: intron variant.
Genome position (GRCh38, 1-based): chr15:90,759,970-90,759,972, TTT deleted; deleting any 3 consecutive bases within chr15:90,759,957-90,759,972 gives the same sequence; the c. name uses the placement nearest the transcript's 3' end. VCF-style (leftmost placement, unchanged base first): chr15-90759956-CTTT-C. GRCh37 (hg19) VCF-style: chr15-91303186-CTTT-C.
Other names: c.1088-177_1088-175del (NM_001287246.2, NM_001287247.2); c.-204-11_-204-9del (NM_001287248.2).
Identifiers: ClinVar variation 4852751 (VCV004852751.2).